The following is an entry in ClinVar:

ClinVar aggregate classification (germline): Benign/Likely benign. Review status: criteria provided, multiple submitters, no conflicts (2 of 4 stars). 5 submissions from 5 submitters: Benign (4); Likely benign (1). Last evaluated 2026-02-04.

Conditions:
Osteogenesis imperfecta type 7 (OI7). Also called: OI type 7; OI type VII; OSTEOGENESIS IMPERFECTA, TYPE IIB; Osteogenesis imperfecta type 2B; OI type 2B; Osteogenesis imperfecta, perinatal lethal autosomal recessive. Identifiers: MedGen C1853162, MONDO:0012536, OMIM 610682.

Allele frequency attached by ClinVar (database versions not stated): gnomAD exomes 0.00380 and 0.00373; ExAC 0.00391; 1000 Genomes Project 30x 0.00187; 1000 Genomes Project 0.00220; gnomAD 0.00250 and 0.00265; TOPMed 0.00274; ESP Exome Variant Server 0.00369.
gnomAD v4.1: 5,978 of 1,613,764 alleles (0.37%); highest among the groups gnomAD compares: Middle Eastern, 1.6%; 25 homozygotes.

Submissions (5):

Labcorp Genetics (formerly Invitae), Labcorp
Classification: Benign for Osteogenesis imperfecta type 7. Last evaluated: 2026-02-04. Review status: criteria provided, single submitter. Criteria: Invitae Variant Classification Sherloc (09022015). Collection method: clinical testing. Allele origin: germline.

ARUP Laboratories, Molecular Genetics and Genomics, ARUP Laboratories
Classification: Benign for Osteogenesis imperfecta type 7. Last evaluated: 2024-11-25. Review status: criteria provided, single submitter. Criteria: ARUP Molecular Germline Variant Investigation Process 2024. Collection method: clinical testing. Allele origin: germline.

Blueprint Genetics
Classification: Likely benign. Last evaluated: 2024-11-25. Review status: criteria provided, single submitter. Criteria: ACMG Guidelines, 2015. Collection method: clinical testing. Allele origin: germline.

GeneDx
Classification: Benign. Last evaluated: 2017-11-02. Review status: criteria provided, single submitter. Criteria: GeneDx Variant Classification (06012015). Collection method: clinical testing. Allele origin: germline. Affected: yes.
Comment: This variant is considered likely benign or benign based on one or more of the following criteria: it is a conservative change, it occurs at a poorly conserved position in the protein, it is predicted to be benign by multiple in silico algorithms, and/or has population frequency not consistent with disease.

Breakthrough Genomics
Classification: Benign. Review status: criteria provided, single submitter. Criteria: ACMG Guidelines, 2015. Collection method: not provided. Allele origin: germline. Inheritance: Autosomal recessive inheritance. Affected: yes.

NM_006371.5(CRTAP):c.622-16T>C

Gene: CRTAP (cartilage associated protein; plus strand). Cytogenetic location: 3p22.3.
Variant type: single nucleotide variant.
Coding change: c.622-16T>C on transcript NM_006371.5 (MANE Select); 16 bases into the intron before coding-DNA position 622, T replaced by C.
Molecular consequence: intron variant.
Genome position (GRCh38, 1-based): chr3:33,124,392, T>C. VCF-style: chr3-33124392-T-C. GRCh37 (hg19) VCF-style: chr3-33165884-T-C.
Other names: c.622-16T>C (NM_001393363.1, NM_001393364.1); c.472-16T>C (NM_001393365.1).
Identifiers: ClinVar variation 379754 (VCV000379754.12), dbSNP rs147610884, ClinGen allele CA2300333.
Genomic context (GRCh38, chr3:33,124,392, plus strand): 5'-GGTTCCCTTTGAGATTTCATGACTGTCTCCCTTCACGCCCAAGAGCGAGCTTCACTGGCT[T>C]CTCCATGCCTTTCAGAGCCTGTTCATCCGAGCAGTGCGGGCATACAACGGTGAGAACTGG-3'